The following is an entry in ClinVar:

NM_000138.5(FBN1):c.8147A>G (p.Tyr2716Cys)

Gene: FBN1 (fibrillin 1; minus strand). Cytogenetic location: 15q21.1.
Variant type: single nucleotide variant.
Coding change: c.8147A>G on transcript NM_000138.5 (MANE Select); coding-DNA position 8147, A replaced by G.
Protein change: p.Tyr2716Cys; replaces tyrosine 2716 with cysteine.
Molecular consequence: missense variant.
Genome position (GRCh38, 1-based): chr15:48,412,648, T>C on the plus strand (A>G on the coding strand, the complement: FBN1 is on the minus strand). VCF-style: chr15-48412648-T-C. GRCh37 (hg19) VCF-style: chr15-48704845-T-C.
Other names: short protein forms Y2716C.
Identifiers: ClinVar variation 449653 (VCV000449653.2), dbSNP rs1555393656, ClinGen allele CA392321134.

ClinVar aggregate classification (germline): Uncertain significance (1 of 4 stars; one submission).

Submission:

GeneDx
Classification: Uncertain significance. Last evaluated: 2017-10-19. Review status: criteria provided, single submitter. Criteria: GeneDx Variant Classification (06012015). Collection method: clinical testing. Allele origin: germline. Affected: yes.
Comment: The Y2716C variant in the FBN1 gene has not been reported previously as a pathogenic variant, nor as a benign variant, to our knowledge. The Y2716C variant is not observed in large population cohorts (Lek et al., 2016). The Y2716C variant is a non-conservative amino acid substitution, which is likely to impact secondary protein structure as these residues differ in polarity, charge, size and/or other properties. This substitution occurs at a position that is conserved across species. In silico analysis predicts this variant is probably damaging to the protein structure/function. We interpret Y2716C as a variant of uncertain significance.